The following is an entry in ClinVar:

NM_001164508.2(NEB):c.16949T>C (p.Ile5650Thr)

Gene: NEB (nebulin; minus strand). Cytogenetic location: 2q23.3.
Variant type: single nucleotide variant.
Coding change: c.16949T>C on transcript NM_001164508.2 (MANE Select); coding-DNA position 16949, T replaced by C.
Protein change: p.Ile5650Thr; replaces isoleucine 5650 with threonine.
Molecular consequence: missense variant.
Genome position (GRCh38, 1-based): chr2:151,575,759, A>G on the plus strand (T>C on the coding strand, the complement: NEB is on the minus strand). VCF-style: chr2-151575759-A-G. GRCh37 (hg19) VCF-style: chr2-152432273-A-G.
Other names: c.16949T>C, p.Ile5650Thr (NM_001164507.2, NM_001271208.2); c.11846T>C, p.Ile3949Thr (NM_004543.5); c.16949T>C (NM_001271208.1); short protein forms I5650T, I3949T.
Identifiers: ClinVar variation 1471045 (VCV001471045.11), dbSNP rs202009284, ClinGen allele CA57668590.

ClinVar aggregate classification (germline): Uncertain significance. Review status: criteria provided, multiple submitters, no conflicts (2 of 4 stars). 2 submissions from 2 submitters: Uncertain significance (2). Last evaluated 2022-08-16.

Conditions:
Nemaline myopathy 2 (NEM2). Also called: Nemaline myopathy 2, autosomal recessive. Identifiers: MedGen C1850569, MONDO:0009725, OMIM 256030.

Allele frequency attached by ClinVar (database versions not stated): gnomAD exomes below 0.00001; TOPMed below 0.00001.
gnomAD v4.1: 2 of 1,610,974 alleles (0.00012%); highest among the groups gnomAD compares: Non-Finnish European, 0.000085%; no homozygotes.

Submissions (2):

Labcorp Genetics (formerly Invitae), Labcorp
Classification: Uncertain significance for Nemaline myopathy 2. Last evaluated: 2022-08-16. Review status: criteria provided, single submitter. Criteria: Invitae Variant Classification Sherloc (09022015). Collection method: clinical testing. Allele origin: germline.
Comment: This sequence change replaces isoleucine, which is neutral and non-polar, with threonine, which is neutral and polar, at codon 5650 of the NEB protein (p.Ile5650Thr). This variant is not present in population databases (gnomAD no frequency). This variant has not been reported in the literature in individuals affected with NEB-related conditions. ClinVar contains an entry for this variant (Variation ID: 1471045). Algorithms developed to predict the effect of missense changes on protein structure and function are either unavailable or do not agree on the potential impact of this missense change (SIFT: "Deleterious"; PolyPhen-2: "Not Available"; Align-GVGD: "Class C0"). In summary, the available evidence is currently insufficient to determine the role of this variant in disease. Therefore, it has been classified as a Variant of Uncertain Significance.

Revvity Omics, Revvity
Classification: Uncertain significance. Last evaluated: 2020-12-11. Review status: criteria provided, single submitter. Criteria: ACMG Guidelines, 2015. Collection method: clinical testing. Allele origin: germline.